The following is an entry in ClinVar:

ClinVar aggregate classification (germline): Uncertain significance. Review status: criteria provided, multiple submitters, no conflicts (2 of 4 stars). 2 submissions from 2 submitters: Uncertain significance (2). Last evaluated 2026-03-25.

Conditions:
Inborn genetic diseases. Identifiers: MedGen C0950123, MeSH D030342.

Allele frequency attached by ClinVar (database versions not stated): TOPMed 0.00033; 1000 Genomes Project 0.00060; gnomAD 0.00017; ExAC 0.00003; 1000 Genomes Project 30x 0.00047.
gnomAD v4.1: 52 of 1,614,170 alleles (0.0032%); highest among the groups gnomAD compares: Admixed American, 0.07%; 2 homozygotes.

Submissions (2):

Ambry Genetics
Classification: Uncertain significance for Inborn genetic diseases. Last evaluated: 2026-03-25. Review status: criteria provided, single submitter. Criteria: Ambry Variant Classification Scheme 2023. Collection method: clinical testing. Allele origin: germline.

Labcorp Genetics (formerly Invitae), Labcorp
Classification: Uncertain significance. Last evaluated: 2025-12-29. Review status: criteria provided, single submitter. Criteria: Invitae Variant Classification Sherloc (09022015). Collection method: clinical testing. Allele origin: germline.
Comment: This sequence change replaces glutamine, which is neutral and polar, with histidine, which is basic and polar, at codon 421 of the LHCGR protein (p.Gln421His). This variant is present in population databases (rs189474766, gnomAD 0.01%). This variant has not been reported in the literature in individuals affected with LHCGR-related conditions. ClinVar contains an entry for this variant (Variation ID: 3118607). Invitae Evidence Modeling of protein sequence and biophysical properties (such as structural, functional, and spatial information, amino acid conservation, physicochemical variation, residue mobility, and thermodynamic stability) indicates that this missense variant is not expected to disrupt LHCGR protein function with a negative predictive value of 95%. In summary, the available evidence is currently insufficient to determine the role of this variant in disease. Therefore, it has been classified as a Variant of Uncertain Significance.

NM_000233.4(LHCGR):c.1263A>T (p.Gln421His)

Genes: STON1-GTF2A1L (STON1-GTF2A1L readthrough; plus strand), LHCGR (luteinizing hormone/choriogonadotropin receptor; minus strand). Cytogenetic location: 2p16.3.
Variant type: single nucleotide variant.
Coding change: c.1263A>T on transcript NM_000233.4 (MANE Select); coding-DNA position 1263, A replaced by T.
Protein change: p.Gln421His; replaces glutamine 421 with histidine.
Molecular consequence: missense variant. On other transcripts: intron variant (1).
Genome position (GRCh38, 1-based): chr2:48,688,534, T>A on the plus strand (A>T on the coding strand, the complement: LHCGR is on the minus strand). VCF-style: chr2-48688534-T-A. GRCh37 (hg19) VCF-style: chr2-48915673-T-A.
Other names: c.3441+16854T>A (NM_001198593.2); short protein forms Q421H.
Identifiers: ClinVar variation 3118607 (VCV003118607.3), dbSNP rs189474766, ClinGen allele CA1653056.